The following is an entry in ClinVar:

NM_017619.4(RNPC3):c.91G>A (p.Val31Ile)

Gene: RNPC3 (RNA binding region (RNP1, RRM) containing 3; plus strand). Cytogenetic location: 1p21.1.
Variant type: single nucleotide variant.
Coding change: c.91G>A on transcript NM_017619.4 (MANE Select); coding-DNA position 91, G replaced by A.
Protein change: p.Val31Ile; replaces valine 31 with isoleucine.
Molecular consequence: missense variant.
Genome position (GRCh38, 1-based): chr1:103,526,161, G>A. VCF-style: chr1-103526161-G-A. GRCh37 (hg19) VCF-style: chr1-104068783-G-A.
Other names: short protein forms V31I.
Identifiers: ClinVar variation 4975398 (VCV004975398.1).

ClinVar aggregate classification (germline): Uncertain significance (1 of 4 stars; one submission).

gnomAD v4.1: 427 of 1,551,538 alleles (0.028%); highest among the groups gnomAD compares: South Asian, 0.48%; 6 homozygotes.

Submission:

GeneDx
Classification: Uncertain significance. Last evaluated: 2026-01-26. Review status: criteria provided, single submitter. Criteria: GeneDx Variant Classification Process June 2021. Collection method: clinical testing. Allele origin: germline.
Comment: In silico analysis suggests that this missense variant does not alter protein structure/function; Has not been previously published as pathogenic or benign to our knowledge